The following is an entry in ClinVar:

ClinVar aggregate classification (germline): Uncertain significance (1 of 4 stars; one submission).

Conditions:
Fanconi anemia (FA). Also called: Fanconi's anemia. Identifiers: Orphanet 84, MedGen C0015625, MeSH D005199, MONDO:0019391.

Allele frequency attached by ClinVar (database versions not stated): gnomAD exomes below 0.00001; TOPMed below 0.00001.
gnomAD v4.1: 3 of 1,614,202 alleles (0.00019%); highest among the groups gnomAD compares: Non-Finnish European, 0.00025%; no homozygotes.

Submission:

Labcorp Genetics (formerly Invitae), Labcorp
Classification: Uncertain significance for Fanconi anemia. Last evaluated: 2023-01-24. Review status: criteria provided, single submitter. Criteria: Invitae Variant Classification Sherloc (09022015). Collection method: clinical testing. Allele origin: germline.
Comment: Algorithms developed to predict the effect of missense changes on protein structure and function output the following: SIFT: "Tolerated"; PolyPhen-2: "Benign"; Align-GVGD: "Class C0". The isoleucine amino acid residue is found in multiple mammalian species, which suggests that this missense change does not adversely affect protein function. In summary, the available evidence is currently insufficient to determine the role of this variant in disease. Therefore, it has been classified as a Variant of Uncertain Significance. This variant has not been reported in the literature in individuals affected with SLX4-related conditions. This variant is not present in population databases (gnomAD no frequency). This sequence change replaces threonine, which is neutral and polar, with isoleucine, which is neutral and non-polar, at codon 1072 of the SLX4 protein (p.Thr1072Ile).

NM_032444.4(SLX4):c.3215C>T (p.Thr1072Ile)

Gene: SLX4 (SLX4 structure-specific endonuclease subunit; minus strand). Cytogenetic location: 16p13.3.
Variant type: single nucleotide variant.
Coding change: c.3215C>T on transcript NM_032444.4 (MANE Select); coding-DNA position 3215, C replaced by T.
Protein change: p.Thr1072Ile; replaces threonine 1072 with isoleucine.
Molecular consequence: missense variant.
Genome position (GRCh38, 1-based): chr16:3,590,423, G>A on the plus strand (C>T on the coding strand, the complement: SLX4 is on the minus strand). VCF-style: chr16-3590423-G-A. GRCh37 (hg19) VCF-style: chr16-3640424-G-A.
Other names: short protein forms T1072I.
Identifiers: ClinVar variation 2771442 (VCV002771442.3), dbSNP rs1263956790, ClinGen allele CA394521428.